The following is an entry in ClinVar:

ClinVar aggregate classification (germline): Uncertain significance (1 of 4 stars; one submission).

Conditions:
Inborn genetic diseases. Identifiers: MedGen C0950123, MeSH D030342.

gnomAD v4.1: 1 of 1,613,076 alleles (0.000062%); highest among the groups gnomAD compares: Admixed American, 0.0017%; no homozygotes.

Submission:

Ambry Genetics
Classification: Uncertain significance for Inborn genetic diseases. Last evaluated: 2025-11-15. Review status: criteria provided, single submitter. Criteria: Ambry Variant Classification Scheme 2023. Collection method: clinical testing. Allele origin: germline.
Comment: The p.F929L variant (also known as c.2787T>G), located in coding exon 14 of the FANCM gene, results from a T to G substitution at nucleotide position 2787. The phenylalanine at codon 929 is replaced by leucine, an amino acid with highly similar properties. This amino acid position is conserved. In addition, this alteration is predicted to be tolerated by in silico analysis. Based on the available evidence, the clinical significance of this variant remains unclear.

NM_020937.4(FANCM):c.2787T>G (p.Phe929Leu)

Gene: FANCM (FA complementation group M; plus strand). Cytogenetic location: 14q21.2.
Variant type: single nucleotide variant.
Coding change: c.2787T>G on transcript NM_020937.4 (MANE Select); coding-DNA position 2787, T replaced by G.
Protein change: p.Phe929Leu; replaces phenylalanine 929 with leucine.
Molecular consequence: missense variant.
Genome position (GRCh38, 1-based): chr14:45,175,541, T>G. VCF-style: chr14-45175541-T-G. GRCh37 (hg19) VCF-style: chr14-45644744-T-G.
Other names: c.2709T>G, p.Phe903Leu (NM_001308133.2); short protein forms F929L, F903L.
Identifiers: ClinVar variation 4619586 (VCV004619586.1).